The following is an entry in ClinVar:

NM_032737.4(LMNB2):c.1138G>A (p.Val380Met)

Gene: LMNB2 (lamin B2; minus strand). Cytogenetic location: 19p13.3.
Variant type: single nucleotide variant.
Coding change: c.1138G>A on transcript NM_032737.4 (MANE Select); coding-DNA position 1138, G replaced by A.
Protein change: p.Val380Met; replaces valine 380 with methionine.
Molecular consequence: missense variant.
Genome position (GRCh38, 1-based): chr19:2,434,359, C>T on the plus strand (G>A on the coding strand, the complement: LMNB2 is on the minus strand). VCF-style: chr19-2434359-C-T. GRCh37 (hg19) VCF-style: chr19-2434357-C-T.
Other names: short protein forms V380M.
Identifiers: ClinVar variation 3761411 (VCV003761411.2).
Genomic context (GRCh38, chr19:2,434,359, plus strand): 5'-CCTCCTCGCCCTCCAGGAGCTTCCGGTAGGCGTTGATCTCCATGTCCAGGGCCAGCTTCA[C>T]GTCCAGCAGCTCCTGGTACTCGGCCAGCTGCTGCTGCATCACGTCCCGCATCTCCGTCAT-3'
Protein context (NP_116126.3, residues 370-390): QLAEYQELLD[Val380Met]KLALDMEINA

ClinVar aggregate classification (germline): Uncertain significance (1 of 4 stars; one submission).

Conditions:
Progressive myoclonic epilepsy type 9. Identifiers: Orphanet 457265, MedGen C4225289, MONDO:0014685, OMIM 616540.
Lipodystrophy, partial, acquired, susceptibility to (APLD). Also called: APLD, SUSCEPTIBILITY TO. Identifiers: MedGen C3887501, MONDO:0100476, OMIM 608709.

gnomAD v4.1: 6 of 1,613,192 alleles (0.00037%); highest among the groups gnomAD compares: Admixed American, 0.0033%; no homozygotes.

Submission:

Labcorp Genetics (formerly Invitae), Labcorp
Classification: Uncertain significance for Progressive myoclonic epilepsy type 9; Lipodystrophy, partial, acquired, susceptibility to. Last evaluated: 2024-06-21. Review status: criteria provided, single submitter. Criteria: Invitae Variant Classification Sherloc (09022015). Collection method: clinical testing. Allele origin: germline.
Comment: This sequence change replaces valine, which is neutral and non-polar, with methionine, which is neutral and non-polar, at codon 380 of the LMNB2 protein (p.Val380Met). This variant is present in population databases (rs149233372, gnomAD 0.003%). This variant has not been reported in the literature in individuals affected with LMNB2-related conditions. Advanced modeling of protein sequence and biophysical properties (such as structural, functional, and spatial information, amino acid conservation, physicochemical variation, residue mobility, and thermodynamic stability) performed at Invitae indicates that this missense variant is expected to disrupt LMNB2 protein function with a positive predictive value of 80%. In summary, the available evidence is currently insufficient to determine the role of this variant in disease. Therefore, it has been classified as a Variant of Uncertain Significance.